The following is an entry in ClinVar:

NM_004104.5(FASN):c.7420G>A (p.Val2474Ile)

Gene: FASN (fatty acid synthase; minus strand). Cytogenetic location: 17q25.3.
Variant type: single nucleotide variant.
Coding change: c.7420G>A on transcript NM_004104.5 (MANE Select); coding-DNA position 7420, G replaced by A.
Protein change: p.Val2474Ile; replaces valine 2474 with isoleucine.
Molecular consequence: missense variant.
Genome position (GRCh38, 1-based): chr17:82,079,259, C>T on the plus strand (G>A on the coding strand, the complement: FASN is on the minus strand). VCF-style: chr17-82079259-C-T. GRCh37 (hg19) VCF-style: chr17-80037135-C-T.
Other names: short protein forms V2474I.
Identifiers: ClinVar variation 849274 (VCV000849274.9), dbSNP rs759061770, ClinGen allele CA8850988.

ClinVar aggregate classification (germline): Uncertain significance (1 of 4 stars; one submission).

Conditions:
Epileptic encephalopathy. Identifiers: MedGen C0543888, HP:0200134.

Allele frequency attached by ClinVar (database versions not stated): gnomAD 0.00005 and 0.00006; gnomAD exomes 0.00005 and 0.00007; TOPMed 0.00008; ExAC 0.00010.
gnomAD v4.1: 89 of 1,612,952 alleles (0.0055%); highest among the groups gnomAD compares: Middle Eastern, 0.016%; no homozygotes.

Submission:

Labcorp Genetics (formerly Invitae), Labcorp
Classification: Uncertain significance for Epileptic encephalopathy. Last evaluated: 2024-07-11. Review status: criteria provided, single submitter. Criteria: Invitae Variant Classification Sherloc (09022015). Collection method: clinical testing. Allele origin: germline.
Comment: This sequence change replaces valine, which is neutral and non-polar, with isoleucine, which is neutral and non-polar, at codon 2474 of the FASN protein (p.Val2474Ile). The frequency data for this variant in the population databases is considered unreliable, as metrics indicate poor data quality at this position in the gnomAD database. This variant has not been reported in the literature in individuals affected with FASN-related conditions. ClinVar contains an entry for this variant (Variation ID: 849274). An algorithm developed to predict the effect of missense changes on protein structure and function outputs the following: PolyPhen-2: "Benign". The isoleucine amino acid residue is found in multiple mammalian species, which suggests that this missense change does not adversely affect protein function. In summary, the available evidence is currently insufficient to determine the role of this variant in disease. Therefore, it has been classified as a Variant of Uncertain Significance.